The following is an entry in ClinVar:

ClinVar aggregate classification (germline): Uncertain significance (1 of 4 stars; one submission).

Submission:

Women's Health and Genetics/Laboratory Corporation of America, LabCorp
Classification: Uncertain significance. Last evaluated: 2026-03-23. Review status: criteria provided, single submitter. Criteria: LabCorp Variant Classification Summary - May 2015. Collection method: clinical testing. Allele origin: germline.
Comment: Variant summary: The variant involves the duplication of exons 3-30 in the FLT4 gene. A presumed nomenclature of c.(155+1_156-1)_(*1687_?)dup has been designated for the purposes of this classification. The exact breakpoint at the 3' end of this variant is unknown, therefore this duplication may extend downstream of the annotated region of the gene. As it duplicates the termination codon, its effect on the encoded protein is unknown. The variant was absent in 21688 control chromosomes. The available data on variant occurrences in the general population are insufficient to allow any conclusion about variant significance. To our knowledge, no occurrence of similar copy number gains in individuals affected with FLT4-related conditions and no experimental evidence demonstrating their impact on protein function have been reported. No submitters have cited clinical-significance assessments for similar copy number gains to ClinVar. Based on the evidence outlined above, the variant was classified as uncertain significance.

NC_000005.9:g.(?_180028505)_(180057800_180058681)dup

Gene: FLT4 (fms related receptor tyrosine kinase 4; minus strand). Cytogenetic location: 5q35.3.
Variant type: Duplication.
Identifiers: ClinVar variation 4847767 (VCV004847767.1).